The following is an entry in ClinVar:

NM_000059.4(BRCA2):c.7949A>G (p.Glu2650Gly)

Gene: BRCA2 (BRCA2 DNA repair associated; plus strand). Cytogenetic location: 13q13.1.
Variant type: single nucleotide variant.
Coding change: c.7949A>G on transcript NM_000059.4 (MANE Select); coding-DNA position 7949, A replaced by G.
Protein change: p.Glu2650Gly; replaces glutamic acid 2650 with glycine.
Molecular consequence: missense variant.
Genome position (GRCh38, 1-based): chr13:32,362,666, A>G. VCF-style: chr13-32362666-A-G. GRCh37 (hg19) VCF-style: chr13-32936803-A-G.
Other names: c.7853A>G, p.Glu2618Gly (NM_001406719.1); c.7949A>G, p.Glu2650Gly (NM_001406720.1); c.3017A>G, p.Glu1006Gly (NM_001406721.1); c.1532A>G, p.Glu511Gly (NM_001406722.1); short protein forms E2618G, E2650G, E511G, E1006G.
Identifiers: ClinVar variation 1761344 (VCV001761344.6), dbSNP rs2137577775, ClinGen allele CA387747241.

ClinVar aggregate classification (germline): Conflicting classifications of pathogenicity. Review status: criteria provided, conflicting classifications (1 of 4 stars). 2 submissions from 2 submitters: Uncertain significance (1); Likely benign (1). Last evaluated 2025-05-19.

Conditions:
Hereditary cancer-predisposing syndrome. Also called: Neoplastic Syndromes, Hereditary; Tumor predisposition; Hereditary Cancer Syndrome; Hereditary neoplastic syndrome. Identifiers: Orphanet 140162, MedGen C0027672, MeSH D009386, MONDO:0015356.
Hereditary breast ovarian cancer syndrome. Also called: Hereditary breast and/or ovarian cancer syndrome; Hereditary breast and ovarian cancer syndrome; Breast and ovarian cancer; Hereditary breast and ovarian cancer; BRCA1- and BRCA2-Associated Hereditary Breast and Ovarian Cancer; Hereditary breast and ovarian cancer syndrome (HBOC). Identifiers: Orphanet 145, MedGen C0677776, MeSH D061325, MONDO:0003582. Disease mechanism: loss of function.

Allele frequency attached by ClinVar (database versions not stated): gnomAD exomes below 0.00001.
gnomAD v4.1: 1 of 1,614,210 alleles (0.000062%); highest among the groups gnomAD compares: South Asian, 0.0011%; no homozygotes.

Submissions (2):

Ambry Genetics
Classification: Likely benign for Hereditary cancer-predisposing syndrome. Last evaluated: 2025-05-19. Review status: criteria provided, single submitter. Criteria: Ambry Variant Classification Scheme 2023. Collection method: clinical testing. Allele origin: germline.

Labcorp Genetics (formerly Invitae), Labcorp
Classification: Uncertain significance for Hereditary breast ovarian cancer syndrome. Last evaluated: 2023-02-18. Review status: criteria provided, single submitter. Criteria: Invitae Variant Classification Sherloc (09022015). Collection method: clinical testing. Allele origin: germline.
Comment: In summary, the available evidence is currently insufficient to determine the role of this variant in disease. Therefore, it has been classified as a Variant of Uncertain Significance. Advanced modeling of protein sequence and biophysical properties (such as structural, functional, and spatial information, amino acid conservation, physicochemical variation, residue mobility, and thermodynamic stability) has been performed at Invitae for this missense variant, however the output from this modeling did not meet the statistical confidence thresholds required to predict the impact of this variant on BRCA2 protein function. ClinVar contains an entry for this variant (Variation ID: 1761344). This variant has not been reported in the literature in individuals affected with BRCA2-related conditions. This variant is not present in population databases (gnomAD no frequency). This sequence change replaces glutamic acid, which is acidic and polar, with glycine, which is neutral and non-polar, at codon 2650 of the BRCA2 protein (p.Glu2650Gly).